The following is an entry in ClinVar:

NM_080680.3(COL11A2):c.4735C>A (p.Pro1579Thr)

Gene: COL11A2 (collagen type XI alpha 2 chain; minus strand). Cytogenetic location: 6p21.32.
Variant type: single nucleotide variant.
Coding change: c.4735C>A on transcript NM_080680.3 (MANE Select); coding-DNA position 4735, C replaced by A.
Protein change: p.Pro1579Thr; replaces proline 1579 with threonine.
Molecular consequence: missense variant.
Genome position (GRCh38, 1-based): chr6:33,165,564, G>T on the plus strand (C>A on the coding strand, the complement: COL11A2 is on the minus strand). VCF-style: chr6-33165564-G-T. GRCh37 (hg19) VCF-style: chr6-33133341-G-T.
Other names: c.4414C>A, p.Pro1472Thr (NM_080679.3); c.4477C>A, p.Pro1493Thr (NM_080681.3); short protein forms P1493T, P1579T, P1472T.
Identifiers: ClinVar variation 1310006 (VCV001310006.2), dbSNP rs1768986350, ClinGen allele CA363618125.

ClinVar aggregate classification (germline): Uncertain significance (1 of 4 stars; one submission).

Submission:

GeneDx
Classification: Uncertain significance. Last evaluated: 2019-10-31. Review status: criteria provided, single submitter. Criteria: GeneDx Variant Classification Process June 2021. Collection method: clinical testing. Allele origin: germline. Affected: yes.
Comment: Not observed in large population cohorts (Lek et al., 2016); In silico analysis, which includes protein predictors and evolutionary conservation, supports a deleterious effect; Has not been previously published as pathogenic or benign to our knowledge